The following is an entry in ClinVar:

NM_001371623.1(TCOF1):c.1325del (p.Pro442fs)

Gene: TCOF1 (treacle ribosome biogenesis factor 1; plus strand). Cytogenetic location: 5q32.
Variant type: Deletion.
Coding change: c.1325del on transcript NM_001371623.1 (MANE Select); coding-DNA position 1325, one base deleted (C; older notation c.1325delC).
Protein change: p.Pro442fs; shifts the reading frame from proline 442.
Molecular consequence: frameshift variant.
Genome position (GRCh38, 1-based): chr5:150,375,000, C deleted; the last of 4 consecutive C bases (chr5:150,374,997-150,375,000); deleting any one gives the same sequence. VCF-style (leftmost placement, unchanged base first): chr5-150374996-GC-G. GRCh37 (hg19) VCF-style: chr5-149754559-GC-G.
Other names: c.1094del, p.Pro365fs (NM_000356.4, NM_001135245.2, NM_001437406.1); c.1325del, p.Pro442fs (NM_001008657.3, NM_001135243.2, NM_001135244.2 and 1 more transcripts); short protein forms P365fs, P442fs.
Identifiers: ClinVar variation 4526343 (VCV004526343.1).

ClinVar aggregate classification (germline): Pathogenic (1 of 4 stars; one submission).

Submission:

Centre of Medical Genetics, University Hospital Muenster
Classification: Pathogenic. Last evaluated: 2025-01-03. Review status: criteria provided, single submitter. Criteria: ACMG Guidelines, 2015. Collection method: clinical testing. Allele origin: unknown. Affected: yes. Observed: 1 variant allele, 1 heterozygote.
Comment: ACMG categories: PVS1,PM2